The following is an entry in ClinVar:

NM_005228.5(EGFR):c.2323T>A (p.Cys775Ser)

Genes: EGFR (epidermal growth factor receptor; plus strand), EGFR-AS1 (EGFR antisense RNA 1; minus strand). Cytogenetic location: 7p11.2.
Variant type: single nucleotide variant.
Coding change: c.2323T>A on transcript NM_005228.5 (MANE Select); coding-DNA position 2323, T replaced by A.
Protein change: p.Cys775Ser; replaces cysteine 775 with serine.
Molecular consequence: missense variant. On other transcripts: non-coding transcript variant (1).
Genome position (GRCh38, 1-based): chr7:55,181,332, T>A. VCF-style: chr7-55181332-T-A. GRCh37 (hg19) VCF-style: chr7-55249025-T-A.
Other names: c.2188T>A, p.Cys730Ser (NM_001346897.2, NM_001346899.2); c.2323T>A, p.Cys775Ser (NM_001346898.2); c.2164T>A, p.Cys722Ser (NM_001346900.2); c.1522T>A, p.Cys508Ser (NM_001346941.2); short protein forms C508S, C722S, C775S, C730S.
Identifiers: ClinVar variation 4247268 (VCV004247268.1).
Genomic context (GRCh38, chr7:55,181,332, plus strand): 5'-CGTGCCTCTCCCTCCCTCCAGGAAGCCTACGTGATGGCCAGCGTGGACAACCCCCACGTG[T>A]GCCGCCTGCTGGGCATCTGCCTCACCTCCACCGTGCAGCTCATCACGCAGCTCATGCCCT-3'
Protein context (NP_005219.2, residues 765-785): VMASVDNPHV[Cys775Ser]RLLGICLTST

ClinVar aggregate classification (germline): Uncertain significance (1 of 4 stars; one submission).

Conditions:
Hereditary cancer-predisposing syndrome. Also called: Hereditary Cancer Syndrome; Hereditary neoplastic syndrome; Neoplastic Syndromes, Hereditary; Tumor predisposition. Identifiers: Orphanet 140162, MedGen C0027672, MeSH D009386, MONDO:0015356.

gnomAD v4.1: 2 of 1,614,208 alleles (0.00012%); highest among the groups gnomAD compares: Non-Finnish European, 0.00017%; no homozygotes.

Submission:

Ambry Genetics
Classification: Uncertain significance for Hereditary cancer-predisposing syndrome. Last evaluated: 2025-06-18. Review status: criteria provided, single submitter. Criteria: Ambry Variant Classification Scheme 2023. Collection method: clinical testing. Allele origin: germline.
Comment: The p.C775S variant (also known as c.2323T>A), located in coding exon 20 of the EGFR gene, results from a T to A substitution at nucleotide position 2323. The cysteine at codon 775 is replaced by serine, an amino acid with dissimilar properties. In addition, the in silico prediction for this alteration is inconclusive. Based on the available evidence, the clinical significance of this variant remains unclear.